The following is an entry in ClinVar:

ClinVar aggregate classification (germline): Uncertain significance (1 of 4 stars; one submission).

Submission:

Labcorp Genetics (formerly Invitae), Labcorp
Classification: Uncertain significance. Last evaluated: 2021-10-14. Review status: criteria provided, single submitter. Criteria: Invitae Variant Classification Sherloc (09022015). Collection method: clinical testing. Allele origin: germline.
Comment: In summary, the available evidence is currently insufficient to determine the role of this variant in disease. Therefore, it has been classified as a Variant of Uncertain Significance. Algorithms developed to predict the effect of missense changes on protein structure and function are either unavailable or do not agree on the potential impact of this missense change (SIFT: "Tolerated"; PolyPhen-2: "Probably Damaging"; Align-GVGD: "Class C0"). This variant has not been reported in the literature in individuals affected with RELA-related conditions. This variant is not present in population databases (ExAC no frequency). This sequence change replaces glycine with aspartic acid at codon 481 of the RELA protein (p.Gly481Asp). The glycine residue is moderately conserved and there is a moderate physicochemical difference between glycine and aspartic acid.

NM_021975.4(RELA):c.1442G>A (p.Gly481Asp)

Gene: RELA (RELA proto-oncogene, NF-kB subunit; minus strand). Cytogenetic location: 11q13.1.
Variant type: single nucleotide variant.
Coding change: c.1442G>A on transcript NM_021975.4 (MANE Select); coding-DNA position 1442, G replaced by A.
Protein change: p.Gly481Asp; replaces glycine 481 with aspartic acid.
Molecular consequence: missense variant. On other transcripts: intron variant (1).
Genome position (GRCh38, 1-based): chr11:65,654,592, C>T on the plus strand (G>A on the coding strand, the complement: RELA is on the minus strand). VCF-style: chr11-65654592-C-T. GRCh37 (hg19) VCF-style: chr11-65422063-C-T.
Other names: c.1433G>A, p.Gly478Asp (NM_001145138.2); c.1235G>A, p.Gly412Asp (NM_001243984.2); c.1216-83G>A (NM_001243985.2); short protein forms G478D, G481D, G412D.
Identifiers: ClinVar variation 1421099 (VCV001421099.6), dbSNP rs2135548776, ClinGen allele CA381386879.